The following is an entry in ClinVar:

NM_000142.5(FGFR3):c.1255C>T (p.Leu419Phe)

Gene: FGFR3 (fibroblast growth factor receptor 3; plus strand). Cytogenetic location: 4p16.3.
Variant type: single nucleotide variant.
Coding change: c.1255C>T on transcript NM_000142.5 (MANE Select); coding-DNA position 1255, C replaced by T.
Protein change: p.Leu419Phe; replaces leucine 419 with phenylalanine.
Molecular consequence: missense variant. On other transcripts: non-coding transcript variant (1), intron variant (1).
Genome position (GRCh38, 1-based): chr4:1,804,509, C>T. VCF-style: chr4-1804509-C-T. GRCh37 (hg19) VCF-style: chr4-1806236-C-T.
Other names: c.1261C>T, p.Leu421Phe (NM_001163213.2); c.1255C>T, p.Leu419Phe (NM_001354809.2, NM_001354810.2); c.931-315C>T (NM_022965.4); short protein forms L419F, L421F.
Identifiers: ClinVar variation 1309951 (VCV001309951.6), dbSNP rs770029887, ClinGen allele CA2810324.

ClinVar aggregate classification (germline): Uncertain significance. Review status: criteria provided, multiple submitters, no conflicts (2 of 4 stars). 4 submissions from 4 submitters: Uncertain significance (4). Last evaluated 2025-10-14.

Conditions:
Inborn genetic diseases. Identifiers: MedGen C0950123, MeSH D030342.
Achondroplasia (ACH). Also called: Achondroplastic dwarfism. Identifiers: Orphanet 15, MedGen C0001080, MONDO:0007037, OMIM 100800. Disease mechanism: gain of function.
Levy-Hollister syndrome (LADD). Also called: LADD syndrome. Identifiers: Orphanet 2363, MedGen C0265269, MONDO:0007872.
Hypochondroplasia (HCH). Identifiers: Orphanet 429, MedGen C0410529, MONDO:0007793, OMIM 146000. Disease mechanism: gain of function.
Epidermal nevus. Also called: NEVUS, KERATINOCYTIC, NONEPIDERMOLYTIC; Nevus, epidermal, somatic. Identifiers: Orphanet 79414, MedGen C0334082, MONDO:0008093, OMIM 162900, HP:0010816.
Camptodactyly-tall stature-scoliosis-hearing loss syndrome. Also called: CATSHL SYNDROME. Identifiers: Orphanet 85164, MedGen C1864852, MONDO:0012504, OMIM 610474.
Cervical cancer. Also called: Cervix cancer; Cervical cancer, somatic; Cancer of cervix. Identifiers: MedGen C4048328, MONDO:0002974, OMIM 603956, HP:0030079.
Crouzon syndrome-acanthosis nigricans syndrome. Also called: CROUZONODERMOSKELETAL SYNDROME. Identifiers: Orphanet 93262, MedGen C2677099, MONDO:0012833, OMIM 612247.
Thanatophoric dysplasia type 1 (TD1). Also called: Thanatophoric Dysplasia Type 1 (TD Type 1); PLATYSPONDYLIC LETHAL SKELETAL DYSPLASIA, SAN DIEGO TYPE; LETHAL SHORT-LIMBED PLATYSPONDYLIC DWARFISM, SAN DIEGO TYPE. Identifiers: Orphanet 1860, Orphanet 2655, MedGen C1868678, MONDO:0008546, OMIM 187600. Disease mechanism: gain of function.
Thanatophoric dysplasia, type 2 (TD2). Also called: Thanatophoric Dysplasia Type 2 (TD Type 2); CLOVERLEAF SKULL WITH THANATOPHORIC DWARFISM; THANATOPHORIC DYSPLASIA WITH KLEEBLATTSCHAEDEL; THANATOPHORIC DYSPLASIA WITH STRAIGHT FEMURS AND CLOVERLEAF SKULL. Identifiers: Orphanet 2655, Orphanet 93274, MedGen C1300257, MONDO:0008547, OMIM 187601. Disease mechanism: gain of function.
Severe achondroplasia-developmental delay-acanthosis nigricans syndrome. Also called: Severe achondroplasia with developmental delay and acanthosis nigricans; SADDAN dysplasia. Identifiers: Orphanet 85165, MedGen C2674173, MONDO:0014658, OMIM 616482.
Germ cell tumor of testis (TGCT). Also called: GERM CELL TUMOR, SOMATIC; Testicular germ cell tumor. Identifiers: Orphanet 363504, MedGen C1336708, MONDO:0010108, OMIM 273300.
Colorectal cancer. Also called: Colorectal cancer, somatic; Malignant Colorectal Neoplasm. Identifiers: MedGen C0346629, MONDO:0005575, OMIM 114500.
Malignant tumor of urinary bladder. Also called: Urinary Bladder Neoplasms; Bladder cancer; Urinary bladder cancer. Identifiers: MedGen C0005684, MONDO:0001187, OMIM 109800.
Muenke syndrome (MNKES). Also called: MUENKE NONSYNDROMIC CORONAL CRANIOSYNOSTOSIS. Identifiers: Orphanet 53271, MedGen C1864436, MONDO:0011274, OMIM 602849.

Allele frequency attached by ClinVar (database versions not stated): gnomAD exomes below 0.00001 and 0.00001; ExAC 0.00001; gnomAD 0.00001 and 0.00002; TOPMed 0.00001.

Submissions (4):

Ambry Genetics
Classification: Uncertain significance for Inborn genetic diseases. Last evaluated: 2025-10-14. Review status: criteria provided, single submitter. Criteria: Ambry Variant Classification Scheme 2023. Collection method: clinical testing. Allele origin: germline.

Labcorp Genetics (formerly Invitae), Labcorp
Classification: Uncertain significance. Last evaluated: 2025-03-17. Review status: criteria provided, single submitter. Criteria: Invitae Variant Classification Sherloc (09022015). Collection method: clinical testing. Allele origin: germline.
Comment: This sequence change replaces leucine, which is neutral and non-polar, with phenylalanine, which is neutral and non-polar, at codon 419 of the FGFR3 protein (p.Leu419Phe). This variant is present in population databases (rs770029887, gnomAD 0.003%). This variant has not been reported in the literature in individuals affected with FGFR3-related conditions. ClinVar contains an entry for this variant (Variation ID: 1309951). Invitae Evidence Modeling of protein sequence and biophysical properties (such as structural, functional, and spatial information, amino acid conservation, physicochemical variation, residue mobility, and thermodynamic stability) has been performed for this missense variant. However, the output from this modeling did not meet the statistical confidence thresholds required to predict the impact of this variant on FGFR3 protein function. In summary, the available evidence is currently insufficient to determine the role of this variant in disease. Therefore, it has been classified as a Variant of Uncertain Significance.

Fulgent Genetics
Classification: Uncertain significance for Achondroplasia; Malignant tumor of urinary bladder; Colorectal cancer; Hypochondroplasia; LADD syndrome 1; Epidermal nevus; Thanatophoric dysplasia type 1; Thanatophoric dysplasia, type 2; Germ cell tumor of testis; Muenke syndrome; Cervical cancer; Camptodactyly-tall stature-scoliosis-hearing loss syndrome; Crouzon syndrome-acanthosis nigricans syndrome; Severe achondroplasia-developmental delay-acanthosis nigricans syndrome. Last evaluated: 2021-07-20. Review status: criteria provided, single submitter. Criteria: ACMG Guidelines, 2015. Collection method: clinical testing. Allele origin: unknown.

GeneDx
Classification: Uncertain significance. Last evaluated: 2019-10-29. Review status: criteria provided, single submitter. Criteria: GeneDx Variant Classification Process June 2021. Collection method: clinical testing. Allele origin: germline. Affected: yes.
Comment: Not observed at a significant frequency in large population cohorts (Lek et al., 2016); In silico analysis, which includes protein predictors and evolutionary conservation, supports a deleterious effect; Has not been previously published as pathogenic or benign to our knowledge